The following is an entry in ClinVar:

NM_001197104.2(KMT2A):c.7546C>T (p.Gln2516Ter)

Gene: KMT2A (lysine methyltransferase 2A; plus strand). Cytogenetic location: 11q23.3.
Variant type: single nucleotide variant.
Coding change: c.7546C>T on transcript NM_001197104.2 (MANE Select); coding-DNA position 7546, C replaced by T.
Protein change: p.Gln2516Ter; replaces glutamine 2516 with a stop codon.
Molecular consequence: nonsense.
Genome position (GRCh38, 1-based): chr11:118,503,438, C>T. VCF-style: chr11-118503438-C-T. GRCh37 (hg19) VCF-style: chr11-118374153-C-T.
Other names: c.7636C>T, p.Gln2546Ter (NM_001412597.1); c.7537C>T, p.Gln2513Ter (NM_005933.4); short protein forms Q2513*, Q2516*, Q2546*.
Identifiers: ClinVar variation 4537877 (VCV004537877.1).

ClinVar aggregate classification (germline): Pathogenic (1 of 4 stars; one submission).

Submission:

GeneDx
Classification: Pathogenic. Last evaluated: 2025-06-12. Review status: criteria provided, single submitter. Criteria: GeneDx Variant Classification Process June 2021. Collection method: clinical testing. Allele origin: germline. Affected: yes.
Comment: Nonsense variant predicted to result in protein truncation or nonsense mediated decay in a gene for which loss of function is a known mechanism of disease; Not observed at significant frequency in large population cohorts (gnomAD); This variant is associated with the following publications: (PMID: 33043602)